The following is an entry in ClinVar:

NM_016026.4(RDH11):c.241G>A (p.Val81Met)

Genes: GPHN (gephyrin; plus strand), RDH11 (retinol dehydrogenase 11; minus strand). Cytogenetic location: 14q24.1.
Variant type: single nucleotide variant.
Coding change: c.241G>A on transcript NM_016026.4 (MANE Select); coding-DNA position 241, G replaced by A.
Protein change: p.Val81Met; replaces valine 81 with methionine.
Molecular consequence: missense variant.
Genome position (GRCh38, 1-based): chr14:67,692,546, C>T on the plus strand (G>A on the coding strand, the complement: RDH11 is on the minus strand). VCF-style: chr14-67692546-C-T. GRCh37 (hg19) VCF-style: chr14-68159263-C-T.
Other names: c.241G>A, p.Val81Met (NM_001252650.2); short protein forms V81M.
Identifiers: ClinVar variation 1521597 (VCV001521597.8), dbSNP rs773799552, ClinGen allele CA390136794.

ClinVar aggregate classification (germline): Uncertain significance (1 of 4 stars; one submission).

Submission:

Labcorp Genetics (formerly Invitae), Labcorp
Classification: Uncertain significance. Last evaluated: 2021-03-30. Review status: criteria provided, single submitter. Criteria: Invitae Variant Classification Sherloc (09022015). Collection method: clinical testing. Allele origin: germline.
Comment: In summary, the available evidence is currently insufficient to determine the role of this variant in disease. Therefore, it has been classified as a Variant of Uncertain Significance. Algorithms developed to predict the effect of missense changes on protein structure and function are either unavailable or do not agree on the potential impact of this missense change (SIFT: "Tolerated"; PolyPhen-2: "Probably Damaging"; Align-GVGD: "Class C0"). This variant has not been reported in the literature in individuals with RDH11-related conditions. This variant is not present in population databases (ExAC no frequency). This sequence change replaces valine with methionine at codon 81 of the RDH11 protein (p.Val81Met). The valine residue is weakly conserved and there is a small physicochemical difference between valine and methionine.